The following is an entry in ClinVar:

ClinVar aggregate classification (germline): Uncertain significance. Review status: criteria provided, multiple submitters, no conflicts (2 of 4 stars). 2 submissions from 2 submitters: Uncertain significance (2). Last evaluated 2021-09-17.

Conditions:
Sclerosteosis 2 (SOST2). Identifiers: Orphanet 3152, MedGen C3280402, MONDO:0013679, OMIM 614305.
Cenani-Lenz syndactyly syndrome. Also called: SYNDACTYLY, TYPE VII; CENANI SYNDACTYLISM. Identifiers: Orphanet 3258, MedGen C1859309, MONDO:0008931, OMIM 212780.
Congenital myasthenic syndrome 17. Identifiers: Orphanet 590, MedGen C4225377, MONDO:0014578, OMIM 616304.

Allele frequency attached by ClinVar (database versions not stated): ExAC 0.00001; gnomAD 0.00001; gnomAD exomes 0.00001 and 0.00003; TOPMed 0.00002.
gnomAD v4.1: 17 of 1,613,998 alleles (0.0011%); highest among the groups gnomAD compares: South Asian, 0.0044%; no homozygotes.

Submissions (2):

Labcorp Genetics (formerly Invitae), Labcorp
Classification: Uncertain significance for Cenani-Lenz syndactyly syndrome; Sclerosteosis 2; Congenital myasthenic syndrome 17. Last evaluated: 2021-09-17. Review status: criteria provided, single submitter. Criteria: Invitae Variant Classification Sherloc (09022015). Collection method: clinical testing. Allele origin: germline.
Comment: This sequence change replaces arginine with cysteine at codon 1581 of the LRP4 protein (p.Arg1581Cys). The arginine residue is highly conserved and there is a large physicochemical difference between arginine and cysteine. This variant is present in population databases (rs771144609, ExAC 0.002%). This variant has not been reported in the literature in individuals affected with LRP4-related conditions. Algorithms developed to predict the effect of missense changes on protein structure and function (SIFT, PolyPhen-2, Align-GVGD) all suggest that this variant is likely to be disruptive. Algorithms developed to predict the effect of sequence changes on RNA splicing suggest that this variant may create or strengthen a splice site. In summary, the available evidence is currently insufficient to determine the role of this variant in disease. Therefore, it has been classified as a Variant of Uncertain Significance.

Juno Genomics, Hangzhou Juno Genomics, Inc
Classification: Uncertain significance for Congenital myasthenic syndrome 17; Cenani-Lenz syndactyly syndrome; Sclerosteosis 2. Review status: criteria provided, single submitter. Criteria: ACMG Guidelines, 2015. Collection method: clinical testing. Allele origin: germline.
Comment: Absent from controls (or at extremely low frequency if recessive) in Genome Aggregation Database.;Multiple lines of computational evidence support a deleterious effect on the gene or gene product.;Missense variant in a gene that has a low rate of benign missense variation.

NM_002334.4(LRP4):c.4741C>T (p.Arg1581Cys)

Genes: LRP4-AS1 (LRP4 antisense RNA 1; plus strand), LRP4 (LDL receptor related protein 4; minus strand). Cytogenetic location: 11p11.2.
Variant type: single nucleotide variant.
Coding change: c.4741C>T on transcript NM_002334.4 (MANE Select); coding-DNA position 4741, C replaced by T.
Protein change: p.Arg1581Cys; replaces arginine 1581 with cysteine.
Molecular consequence: missense variant.
Genome position (GRCh38, 1-based): chr11:46,869,084, G>A on the plus strand (C>T on the coding strand, the complement: LRP4 is on the minus strand). VCF-style: chr11-46869084-G-A. GRCh37 (hg19) VCF-style: chr11-46890635-G-A.
Other names: short protein forms R1581C.
Identifiers: ClinVar variation 1517703 (VCV001517703.7), dbSNP rs771144609, ClinGen allele CA5969245.